The following is an entry in ClinVar:

NM_145691.4(ATPAF2):c.446C>T (p.Thr149Ile)

Gene: ATPAF2 (ATP synthase mitochondrial F1 complex assembly factor 2; minus strand). Cytogenetic location: 17p11.2.
Variant type: single nucleotide variant.
Coding change: c.446C>T on transcript NM_145691.4 (MANE Select); coding-DNA position 446, C replaced by T.
Protein change: p.Thr149Ile; replaces threonine 149 with isoleucine.
Molecular consequence: missense variant.
Genome position (GRCh38, 1-based): chr17:18,024,681, G>A on the plus strand (C>T on the coding strand, the complement: ATPAF2 is on the minus strand). VCF-style: chr17-18024681-G-A. GRCh37 (hg19) VCF-style: chr17-17927995-G-A.
Other names: short protein forms T149I.
Identifiers: ClinVar variation 4781200 (VCV004781200.1).

ClinVar aggregate classification (germline): Uncertain significance (1 of 4 stars; one submission).

gnomAD v4.1: 1 of 1,613,914 alleles (0.000062%); highest among the groups gnomAD compares: Non-Finnish European, 0.000085%; no homozygotes.

Submission:

Labcorp Genetics (formerly Invitae), Labcorp
Classification: Uncertain significance. Last evaluated: 2025-04-21. Review status: criteria provided, single submitter. Criteria: Invitae Variant Classification Sherloc (09022015). Collection method: clinical testing. Allele origin: germline.
Comment: This sequence change replaces threonine, which is neutral and polar, with isoleucine, which is neutral and non-polar, at codon 149 of the ATPAF2 protein (p.Thr149Ile). This variant is not present in population databases (gnomAD no frequency). This variant has not been reported in the literature in individuals affected with ATPAF2-related conditions. Invitae Evidence Modeling of protein sequence and biophysical properties (such as structural, functional, and spatial information, amino acid conservation, physicochemical variation, residue mobility, and thermodynamic stability) indicates that this missense variant is not expected to disrupt ATPAF2 protein function with a negative predictive value of 80%. In summary, the available evidence is currently insufficient to determine the role of this variant in disease. Therefore, it has been classified as a Variant of Uncertain Significance.